The following is an entry in ClinVar:

ClinVar aggregate classification (germline): Pathogenic/Likely pathogenic. Review status: criteria provided, multiple submitters, no conflicts (2 of 4 stars). 4 submissions from 4 submitters: Pathogenic (1); Likely pathogenic (2). 1 of the submissions does not count toward it. Last evaluated 2025-08-09.

Conditions:
Mucopolysaccharidosis, MPS-III-B (MPS3B). Also called: MPS III B; MUCOPOLYSACCHARIDOSIS, TYPE IIIB; N-ACETYL-ALPHA-D-GLUCOSAMINIDASE DEFICIENCY; NAGLU DEFICIENCY; SANFILIPPO SYNDROME B; Mucopolysaccharidosis type IIIB (Sanfilippo B). Identifiers: Orphanet 79270, MedGen C0086648, MONDO:0009656, OMIM 252920.
Charcot-Marie-Tooth disease axonal type 2V. Also called: CHARCOT-MARIE-TOOTH NEUROPATHY, TYPE 2V; CHARCOT-MARIE-TOOTH DISEASE, AXONAL, AUTOSOMAL DOMINANT, TYPE 2V. Identifiers: Orphanet 447964, MedGen C5569050, MONDO:0014665, OMIM 616491.

Submissions (4):

Labcorp Genetics (formerly Invitae), Labcorp
Classification: Pathogenic for Charcot-Marie-Tooth disease axonal type 2V; Mucopolysaccharidosis, MPS-III-B. Last evaluated: 2025-08-09. Review status: criteria provided, single submitter. Criteria: Invitae Variant Classification Sherloc (09022015). Collection method: clinical testing. Allele origin: germline.
Comment: This sequence change replaces phenylalanine, which is neutral and non-polar, with leucine, which is neutral and non-polar, at codon 48 of the NAGLU protein (p.Phe48Leu). This variant is not present in population databases (gnomAD no frequency). This missense change has been observed in individual(s) with mucopolysaccharidosis type IIIB (PMID: 10094189). ClinVar contains an entry for this variant (Variation ID: 555776). Invitae Evidence Modeling of protein sequence and biophysical properties (such as structural, functional, and spatial information, amino acid conservation, physicochemical variation, residue mobility, and thermodynamic stability) has been performed for this missense variant. However, the output from this modeling did not meet the statistical confidence thresholds required to predict the impact of this variant on NAGLU protein function. Experimental studies have shown that this missense change affects NAGLU function (PMID: 11068184). This variant disrupts the p.Phe48 amino acid residue in NAGLU. Other variant(s) that disrupt this residue have been determined to be pathogenic (PMID: 9832037, 29979746). This suggests that this residue is clinically significant, and that variants that disrupt this residue are likely to be disease-causing. For these reasons, this variant has been classified as Pathogenic.

GeneDx
Classification: Likely pathogenic. Last evaluated: 2025-08-05. Review status: criteria provided, single submitter. Criteria: GeneDx Variant Classification Process June 2021. Collection method: clinical testing. Allele origin: germline.
Comment: Has not been previously published as pathogenic or benign to our knowledge; Not observed in large population cohorts (gnomAD); In silico analysis, which includes protein predictors and evolutionary conservation, supports a deleterious effect; This variant is associated with the following publications: (PMID: 11068184, 10094189)

Natera, Inc.
Classification: Likely pathogenic for Mucopolysaccharidosis type IIIB. Last evaluated: 2025-05-05. Review status: criteria provided, single submitter. Criteria: Natera Variant Classification Schema (03/2026). Collection method: clinical testing. Allele origin: germline.
Comment: The c.144C>G variant in NAGLU is a missense variant predicted to cause substitution of phenylalanine to leucine at amino acid 48. This variant is rare in the general population with a frequency below the threshold expected for the associated phenotype(s). Another variant at this same site results in an alteration predicted to cause a similar molecular effect has been observed in individual(s) with the associated phenotype. Computational prediction algorithms indicate this variant is likely to affect gene or protein function. Given the available evidence, this variant is classified as Likely Pathogenic.

Counsyl
Classification: Uncertain significance for Mucopolysaccharidosis, MPS-III-B. Last evaluated: 2017-12-21. Review status: no assertion criteria provided. Collection method: clinical testing. Allele origin: unknown. Not counted in ClinVar's aggregate classification.

Literature cited by the submitters: PubMed 10094189 (cited by Labcorp Genetics (formerly Invitae), Labcorp); PubMed 11068184 (cited by Labcorp Genetics (formerly Invitae), Labcorp); PubMed 9832037 (cited by Labcorp Genetics (formerly Invitae), Labcorp); PubMed 29979746 (cited by Labcorp Genetics (formerly Invitae), Labcorp).

NM_000263.4(NAGLU):c.144C>G (p.Phe48Leu)

Genes: NAGLU (N-acetyl-alpha-glucosaminidase; plus strand), LOC130060903 (ATAC-STARR-seq lymphoblastoid silent region 8533; plus strand). Cytogenetic location: 17q21.2.
Variant type: single nucleotide variant.
Coding change: c.144C>G on transcript NM_000263.4 (MANE Select); coding-DNA position 144, C replaced by G.
Protein change: p.Phe48Leu; replaces phenylalanine 48 with leucine.
Molecular consequence: missense variant.
Genome position (GRCh38, 1-based): chr17:42,536,416, C>G. VCF-style: chr17-42536416-C-G. GRCh37 (hg19) VCF-style: chr17-40688434-C-G.
Other names: short protein forms F48L.
Identifiers: ClinVar variation 555776 (VCV000555776.11), dbSNP rs104894599, ClinGen allele CA399595410.